The following is an entry in ClinVar:

ClinVar aggregate classification (germline): Uncertain significance (1 of 4 stars; one submission).

Allele frequency attached by ClinVar (database versions not stated): gnomAD exomes below 0.00001; gnomAD 0.00001; TOPMed 0.00001.

Submission:

Labcorp Genetics (formerly Invitae), Labcorp
Classification: Uncertain significance. Last evaluated: 2022-02-18. Review status: criteria provided, single submitter. Criteria: Invitae Variant Classification Sherloc (09022015). Collection method: clinical testing. Allele origin: germline.
Comment: This sequence change replaces histidine, which is basic and polar, with tyrosine, which is neutral and polar, at codon 1142 of the COL7A1 protein (p.His1142Tyr). This variant is present in population databases (no rsID available, gnomAD 0.007%). This variant has not been reported in the literature in individuals affected with COL7A1-related conditions. Advanced modeling of protein sequence and biophysical properties (such as structural, functional, and spatial information, amino acid conservation, physicochemical variation, residue mobility, and thermodynamic stability) performed at Invitae indicates that this missense variant is not expected to disrupt COL7A1 protein function. In summary, the available evidence is currently insufficient to determine the role of this variant in disease. Therefore, it has been classified as a Variant of Uncertain Significance.

NM_000094.4(COL7A1):c.3424C>T (p.His1142Tyr)

Gene: COL7A1 (collagen type VII alpha 1 chain; minus strand). Cytogenetic location: 3p21.31.
Variant type: single nucleotide variant.
Coding change: c.3424C>T on transcript NM_000094.4 (MANE Select); coding-DNA position 3424, C replaced by T.
Protein change: p.His1142Tyr; replaces histidine 1142 with tyrosine.
Molecular consequence: missense variant.
Genome position (GRCh38, 1-based): chr3:48,586,458, G>A on the plus strand (C>T on the coding strand, the complement: COL7A1 is on the minus strand). VCF-style: chr3-48586458-G-A. GRCh37 (hg19) VCF-style: chr3-48623891-G-A.
Other names: short protein forms H1142Y.
Identifiers: ClinVar variation 2098275 (VCV002098275.1), dbSNP rs1225739488, ClinGen allele CA352705959.